The following is an entry in ClinVar:

NM_001289104.2(PRKCSH):c.778G>A (p.Asp260Asn)

Gene: PRKCSH (PRKCSH beta subunit of glucosidase II; plus strand). Cytogenetic location: 19p13.2.
Variant type: single nucleotide variant.
Coding change: c.778G>A on transcript NM_001289104.2 (MANE Select); coding-DNA position 778, G replaced by A.
Protein change: p.Asp260Asn; replaces aspartic acid 260 with asparagine.
Molecular consequence: missense variant.
Genome position (GRCh38, 1-based): chr19:11,447,089, G>A. VCF-style: chr19-11447089-G-A. GRCh37 (hg19) VCF-style: chr19-11557904-G-A.
Other names: c.778G>A, p.Asp260Asn (NM_001001329.3, NM_001289102.2, NM_001289103.2 and 3 more transcripts); short protein forms D260N.
Identifiers: ClinVar variation 3658354 (VCV003658354.2).

ClinVar aggregate classification (germline): Uncertain significance (1 of 4 stars; one submission).

Submission:

Labcorp Genetics (formerly Invitae), Labcorp
Classification: Uncertain significance. Last evaluated: 2024-07-01. Review status: criteria provided, single submitter. Criteria: Invitae Variant Classification Sherloc (09022015). Collection method: clinical testing. Allele origin: germline.
Comment: This sequence change replaces aspartic acid, which is acidic and polar, with asparagine, which is neutral and polar, at codon 260 of the PRKCSH protein (p.Asp260Asn). This variant is not present in population databases (gnomAD no frequency). This variant has not been reported in the literature in individuals affected with PRKCSH-related conditions. An algorithm developed to predict the effect of missense changes on protein structure and function (PolyPhen-2) suggests that this variant is likely to be tolerated. In summary, the available evidence is currently insufficient to determine the role of this variant in disease. Therefore, it has been classified as a Variant of Uncertain Significance.